The following is an entry in ClinVar:

ClinVar aggregate classification (germline): Uncertain significance. Review status: criteria provided, multiple submitters, no conflicts (2 of 4 stars). 3 submissions from 3 submitters: Uncertain significance (3). Last evaluated 2025-03-17.

Conditions:
Neuroblastoma, susceptibility to, 3. Also called: ALK-Related Neuroblastic Tumor Susceptibility. Identifiers: Orphanet 635, MedGen C2751681, MONDO:0013083, OMIM 613014.
Hereditary cancer-predisposing syndrome. Also called: Hereditary neoplastic syndrome; Tumor predisposition; Hereditary Cancer Syndrome; Neoplastic Syndromes, Hereditary. Identifiers: Orphanet 140162, MedGen C0027672, MeSH D009386, MONDO:0015356.

Allele frequency attached by ClinVar (database versions not stated): ExAC 0.00002; gnomAD exomes 0.00002.
gnomAD v4.1: 61 of 1,611,714 alleles (0.0038%); highest among the groups gnomAD compares: Non-Finnish European, 0.0051%; no homozygotes.

Submissions (3):

Ambry Genetics
Classification: Uncertain significance for Hereditary cancer-predisposing syndrome. Last evaluated: 2025-03-17. Review status: criteria provided, single submitter. Criteria: Ambry Variant Classification Scheme 2023. Collection method: clinical testing. Allele origin: germline.
Comment: The p.L143R variant (also known as c.428T>G), located in coding exon 1 of the ALK gene, results from a T to G substitution at nucleotide position 428. The leucine at codon 143 is replaced by arginine, an amino acid with dissimilar properties. This amino acid position is conserved. In addition, this alteration is predicted to be deleterious by in silico analysis. Based on the available evidence, the clinical significance of this variant remains unclear.

Labcorp Genetics (formerly Invitae), Labcorp
Classification: Uncertain significance for Neuroblastoma, susceptibility to, 3. Last evaluated: 2025-01-29. Review status: criteria provided, single submitter. Criteria: Invitae Variant Classification Sherloc (09022015). Collection method: clinical testing. Allele origin: germline.
Comment: This sequence change replaces leucine, which is neutral and non-polar, with arginine, which is basic and polar, at codon 143 of the ALK protein (p.Leu143Arg). This variant is present in population databases (rs777656583, gnomAD 0.003%). This variant has not been reported in the literature in individuals affected with ALK-related conditions. ClinVar contains an entry for this variant (Variation ID: 580609). An algorithm developed to predict the effect of missense changes on protein structure and function (PolyPhen-2) suggests that this variant is likely to be disruptive. In summary, the available evidence is currently insufficient to determine the role of this variant in disease. Therefore, it has been classified as a Variant of Uncertain Significance.

GeneDx
Classification: Uncertain significance. Last evaluated: 2023-07-31. Review status: criteria provided, single submitter. Criteria: GeneDx Variant Classification Process June 2021. Collection method: clinical testing. Allele origin: germline. Affected: yes.
Comment: Not observed at significant frequency in large population cohorts (gnomAD); In silico analysis supports that this missense variant does not alter protein structure/function; Has not been previously published as pathogenic or benign to our knowledge

NM_004304.5(ALK):c.428T>G (p.Leu143Arg)

Gene: ALK (ALK receptor tyrosine kinase; minus strand). Cytogenetic location: 2p23.1.
Variant type: single nucleotide variant.
Coding change: c.428T>G on transcript NM_004304.5 (MANE Select); coding-DNA position 428, T replaced by G.
Protein change: p.Leu143Arg; replaces leucine 143 with arginine.
Molecular consequence: missense variant.
Genome position (GRCh38, 1-based): chr2:29,920,232, A>C on the plus strand (T>G on the coding strand, the complement: ALK is on the minus strand). VCF-style: chr2-29920232-A-C. GRCh37 (hg19) VCF-style: chr2-30143098-A-C.
Other names: short protein forms L143R.
Identifiers: ClinVar variation 580609 (VCV000580609.9), dbSNP rs777656583, ClinGen allele CA1594973.